The following is an entry in ClinVar:

NM_000642.3(AGL):c.325G>T (p.Val109Leu)

Gene: AGL (amylo-alpha-1,6-glucosidase and 4-alpha-glucanotransferase; plus strand). Cytogenetic location: 1p21.2.
Variant type: single nucleotide variant.
Coding change: c.325G>T on transcript NM_000642.3 (MANE Select); coding-DNA position 325, G replaced by T.
Protein change: p.Val109Leu; replaces valine 109 with leucine.
Molecular consequence: missense variant.
Genome position (GRCh38, 1-based): chr1:99,862,288, G>T. VCF-style: chr1-99862288-G-T. GRCh37 (hg19) VCF-style: chr1-100327844-G-T.
Other names: p.Val109Leu; c.325G>T, p.Val109Leu (NM_000028.3, NM_000643.3, NM_000644.3 and 5 more transcripts); c.277G>T, p.Val93Leu (NM_000646.3); short protein forms V93L, V109L.
Identifiers: ClinVar variation 972445 (VCV000972445.11), dbSNP rs369068676, ClinGen allele CA966135.
Genomic context (GRCh38, chr1:99,862,288, plus strand): 5'-AAAAGTTTTTGTTTTGTTTTTTCCCTTAGAAATGAGAAAAGTGGTGGAGGTTACATAGTT[G>T]TGGACCCCATTTTACGTGTTGGTGCTGATAATCATGTGCTACCCTTGGACTGTGTTACTC-3'
Protein context (NP_000633.2, residues 99-119): NEKSGGGYIV[Val109Leu]DPILRVGADN

ClinVar aggregate classification (germline): Uncertain significance. Review status: criteria provided, multiple submitters, no conflicts (2 of 4 stars). 5 submissions from 5 submitters: Uncertain significance (4). 1 of the submissions does not count toward it. Last evaluated 2024-04-05.

Conditions:
Glycogen storage disease type III (GSD3). Also called: Cori disease; FORBES DISEASE. Identifiers: Orphanet 366, MedGen C0017922, MONDO:0009291, OMIM 232400.

Allele frequency attached by ClinVar (database versions not stated): gnomAD exomes 0.00003 and 0.00013; gnomAD 0.00004; ESP Exome Variant Server 0.00008; ExAC 0.00009; TOPMed 0.00010.
gnomAD v4.1: 45 of 1,613,772 alleles (0.0028%); highest among the groups gnomAD compares: Admixed American, 0.06%; no homozygotes.

Submissions (5):

Mayo Clinic Laboratories, Mayo Clinic
Classification: Uncertain significance. Last evaluated: 2024-04-05. Review status: criteria provided, single submitter. Criteria: ACMG Guidelines, 2015. Collection method: clinical testing. Allele origin: germline. Observed: 1 variant allele.

Genome-Nilou Lab
Classification: Uncertain significance for Glycogen storage disease type III. Last evaluated: 2023-04-11. Review status: criteria provided, single submitter. Criteria: ACMG Guidelines, 2015. Collection method: clinical testing. Allele origin: germline. Affected: no.

Labcorp Genetics (formerly Invitae), Labcorp
Classification: Uncertain significance for Glycogen storage disease type III. Last evaluated: 2022-10-24. Review status: criteria provided, single submitter. Criteria: Invitae Variant Classification Sherloc (09022015). Collection method: clinical testing. Allele origin: germline.
Comment: This sequence change replaces valine, which is neutral and non-polar, with leucine, which is neutral and non-polar, at codon 109 of the AGL protein (p.Val109Leu). This variant is present in population databases (rs369068676, gnomAD 0.09%). This missense change has been observed in individual(s) with clinical features of AGL-related conditions (PMID: 31508908). ClinVar contains an entry for this variant (Variation ID: 972445). Advanced modeling of protein sequence and biophysical properties (such as structural, functional, and spatial information, amino acid conservation, physicochemical variation, residue mobility, and thermodynamic stability) performed at Invitae indicates that this missense variant is expected to disrupt AGL protein function. In summary, the available evidence is currently insufficient to determine the role of this variant in disease. Therefore, it has been classified as a Variant of Uncertain Significance.

Fulgent Genetics
Classification: Uncertain significance for Glycogen storage disease type III. Last evaluated: 2021-12-13. Review status: criteria provided, single submitter. Criteria: ACMG Guidelines, 2015. Collection method: clinical testing. Allele origin: unknown.

Natera, Inc.
Classification: Uncertain significance for Glycogen storage disease type III. Last evaluated: 2020-01-10. Review status: no assertion criteria provided. Collection method: clinical testing. Allele origin: germline. Not counted in ClinVar's aggregate classification.

Literature cited by the submitters: PubMed 31508908 (cited by Mayo Clinic Laboratories, Mayo Clinic and Labcorp Genetics (formerly Invitae), Labcorp).